The following is an entry in ClinVar:

ClinVar aggregate classification (germline): Conflicting classifications of pathogenicity. Review status: criteria provided, conflicting classifications (1 of 4 stars). 2 submissions from 2 submitters: Uncertain significance (1); Likely benign (1). Last evaluated 2024-12-07.

Conditions:
Hypogonadotropic hypogonadism 14 with or without anosmia (HH14). Also called: HYPOGONADOTROPIC HYPOGONADISM 14 WITHOUT ANOSMIA. Identifiers: Orphanet 478, MedGen C3540450, MONDO:0013926, OMIM 614858.
Inborn genetic diseases. Identifiers: MedGen C0950123, MeSH D030342.

Allele frequency attached by ClinVar (database versions not stated): gnomAD 0.00001; gnomAD exomes 0.00001; ExAC 0.00002; TOPMed 0.00002; ESP Exome Variant Server 0.00008.
gnomAD v4.1: 16 of 1,613,960 alleles (0.00099%); highest among the groups gnomAD compares: East Asian, 0.0045%; no homozygotes.

Submissions (2):

Ambry Genetics
Classification: Likely benign for Inborn genetic diseases. Last evaluated: 2024-12-07. Review status: criteria provided, single submitter. Criteria: Ambry Variant Classification Scheme 2023. Collection method: clinical testing. Allele origin: germline.

Victorian Clinical Genetics Services, Murdoch Childrens Research Institute
Classification: Uncertain significance for Hypogonadotropic hypogonadism 14 with or without anosmia. Last evaluated: 2020-10-19. Review status: criteria provided, single submitter. Criteria: ACMG Guidelines, 2015. Collection method: clinical testing. Allele origin: germline. Inheritance: Autosomal dominant inheritance.
Comment: Based on the classification scheme VCGS_Germline_v1.3.3, this variant is classified as 3C-VUS. Following criteria are met: 0102 - Loss of function is a known mechanism of disease in this gene and is associated with hypogonadotropic hypogonadism 14 with or without anosmia (MIM#614858). (I) 0107 - This gene is associated with autosomal dominant disease. (I) 0112 - The condition associated with this gene has incomplete penetrance (PMID: 29263200). (I) 0200 - Variant is predicted to result in a missense amino acid change from isoleucine to threonine. (I) 0251 - This variant is heterozygous. (I) 0302 - Variant is present in gnomAD (v2) <0.001 for a dominant condition (5 heterozygotes, 0 homozygotes). (SP) 0504 - Same amino acid change has been observed in placental mammals. (SB) 0604 - Variant is not located in an established domain, motif, hotspot or informative constraint region. (I) 0705 - No comparable missense variants have previous evidence for pathogenicity. (I) 0807 - This variant has no previous evidence of pathogenicity. (I) 0905 - No published segregation evidence has been identified for this variant. (I) 1007 - No published functional evidence has been identified for this variant. (I) 1208 - Inheritance information for this variant is not currently available in this individual. (I) Legend: (SP) - Supporting pathogenic, (I) - Information, (SB) - Supporting benign

Literature cited by the submitters: PubMed 20887964 (cited by Victorian Clinical Genetics Services, Murdoch Childrens Research Institute); PubMed 29263200 (cited by Victorian Clinical Genetics Services, Murdoch Childrens Research Institute).

NM_018117.12(WDR11):c.3665T>C (p.Ile1222Thr)

Gene: WDR11 (WD repeat domain 11; plus strand). Cytogenetic location: 10q26.12.
Variant type: single nucleotide variant.
Coding change: c.3665T>C on transcript NM_018117.12 (MANE Select); coding-DNA position 3665, T replaced by C.
Protein change: p.Ile1222Thr; replaces isoleucine 1222 with threonine.
Molecular consequence: missense variant.
Genome position (GRCh38, 1-based): chr10:120,908,703, T>C. VCF-style: chr10-120908703-T-C. GRCh37 (hg19) VCF-style: chr10-122668215-T-C.
Other names: short protein forms I1222T.
Identifiers: ClinVar variation 1805596 (VCV001805596.2), dbSNP rs368846415, ClinGen allele CA5720397.
Genomic context (GRCh38, chr10:120,908,703, plus strand): 5'-AAGCCGGAGCAGCTGGCAAAGACTTATTGAATGAGCTTGAGTCCCCCAAGGAAGAACCCA[T>C]TGAAGAGTGACAGCTTAATAAATGCCAGGGAATCTGACCTGGAAGGCAGATGGGAGGGGG-3'
Protein context (NP_060587.8, residues 1212-1224): NELESPKEEP[Ile1222Thr]EE